The following is an entry in ClinVar:

ClinVar aggregate classification (germline): Uncertain significance. Review status: criteria provided, multiple submitters, no conflicts (2 of 4 stars). 3 submissions from 3 submitters: Uncertain significance (3). Last evaluated 2026-07-09.

Conditions:
Inborn genetic diseases. Identifiers: MedGen C0950123, MeSH D030342.
LETM1-related disorder. Also called: LETM1-related condition.

gnomAD v4.1: 20 of 1,224,272 alleles (0.0016%); highest among the groups gnomAD compares: African/African-American, 0.025%; no homozygotes.

Submissions (3):

PreventionGenetics, part of Exact Sciences
Classification: Uncertain significance for LETM1-related condition. Last evaluated: 2026-07-09. Review status: criteria provided, single submitter. Criteria: ACMG Guidelines, 2015. Collection method: clinical testing. Allele origin: germline.
Comment: The LETM1 c.8C>T variant is predicted to result in the amino acid substitution p.Ser3Phe. To our knowledge, this variant has not been reported in the literature. This variant is reported in 0.047% of alleles in individuals of African descent in gnomAD. At this time, the clinical significance of this variant is uncertain due to the absence of conclusive functional and genetic evidence.

Ambry Genetics
Classification: Uncertain significance for Inborn genetic diseases. Last evaluated: 2025-03-27. Review status: criteria provided, single submitter. Criteria: Ambry Variant Classification Scheme 2023. Collection method: clinical testing. Allele origin: germline.

Labcorp Genetics (formerly Invitae), Labcorp
Classification: Uncertain significance. Last evaluated: 2022-06-28. Review status: criteria provided, single submitter. Criteria: Invitae Variant Classification Sherloc (09022015). Collection method: clinical testing. Allele origin: germline.
Comment: This sequence change replaces serine, which is neutral and polar, with phenylalanine, which is neutral and non-polar, at codon 3 of the LETM1 protein (p.Ser3Phe). In summary, the available evidence is currently insufficient to determine the role of this variant in disease. Therefore, it has been classified as a Variant of Uncertain Significance. Algorithms developed to predict the effect of missense changes on protein structure and function are either unavailable or do not agree on the potential impact of this missense change (SIFT: "Deleterious"; PolyPhen-2: "Possibly Damaging"; Align-GVGD: "Class C0"). This variant has not been reported in the literature in individuals affected with LETM1-related conditions. This variant is present in population databases (no rsID available, gnomAD 0.06%).

NM_012318.3(LETM1):c.8C>T (p.Ser3Phe)

Gene: LETM1 (leucine zipper and EF-hand containing transmembrane protein 1; minus strand). Cytogenetic location: 4p16.3.
Variant type: single nucleotide variant.
Coding change: c.8C>T on transcript NM_012318.3 (MANE Select); coding-DNA position 8, C replaced by T.
Protein change: p.Ser3Phe; replaces serine 3 with phenylalanine.
Molecular consequence: missense variant.
Genome position (GRCh38, 1-based): chr4:1,855,943, G>A on the plus strand (C>T on the coding strand, the complement: LETM1 is on the minus strand). VCF-style: chr4-1855943-G-A. GRCh37 (hg19) VCF-style: chr4-1857670-G-A.
Other names: c.8C>T (NM_012318.2); short protein forms S3F.
Identifiers: ClinVar variation 1407967 (VCV001407967.9), dbSNP rs1015073272, ClinGen allele CA91290220.